The following is an entry in ClinVar:

ClinVar aggregate classification (germline): Uncertain significance (1 of 4 stars; one submission).

Conditions:
Catecholaminergic polymorphic ventricular tachycardia (CVPT). Also called: Catecholamine-induced polymorphic ventricular tachycardia. Identifiers: Orphanet 3286, MedGen C5574922, MONDO:0017990.

Submission:

All of Us Research Program, National Institutes of Health
Classification: Uncertain significance for Catecholaminergic polymorphic ventricular tachycardia. Last evaluated: 2023-07-10. Review status: criteria provided, single submitter. Criteria: ACMG Guidelines, 2015. Collection method: clinical testing. Allele origin: germline. Inheritance: Autosomal dominant inheritance. Observed: 1 variant allele, 1 heterozygote.
Comment: This missense variant replaces glycine with serine at codon 2124 of the RYR2 protein. Computational prediction is inconclusive regarding the impact of this variant on protein structure and function (internally defined REVEL score threshold 0.5 < inconclusive < 0.7, PMID: 27666373). To our knowledge, functional studies have not been reported for this variant. This variant has not been reported in individuals affected with RYR2-related disorders in the literature. This variant has not been identified in the general population by the Genome Aggregation Database (gnomAD). The available evidence is insufficient to determine the role of this variant in disease conclusively. Therefore, this variant is classified as a Variant of Uncertain Significance.

This study involves interpretation of variants in research participants for the purpose of population health screening. Participant phenotype was not available at the time of variant classification. Additional details can be found in publication PMID: 35346344, PMCID: PMC8962531

NM_001035.3(RYR2):c.6370G>A (p.Gly2124Ser)

Gene: RYR2 (ryanodine receptor 2; plus strand). Cytogenetic location: 1q43.
Variant type: single nucleotide variant.
Coding change: c.6370G>A on transcript NM_001035.3 (MANE Select); coding-DNA position 6370, G replaced by A.
Protein change: p.Gly2124Ser; replaces glycine 2124 with serine.
Molecular consequence: missense variant.
Genome position (GRCh38, 1-based): chr1:237,628,010, G>A. VCF-style: chr1-237628010-G-A. GRCh37 (hg19) VCF-style: chr1-237791310-G-A.
Other names: short protein forms G2124S.
Identifiers: ClinVar variation 3072350 (VCV003072350.1), dbSNP rs2546889334, ClinGen allele CA345411398.
Genomic context (GRCh38, chr1:237,628,010, plus strand): 5'-AAGACCTACACGATAAATGGTGTGTCCGTGGAGGACACCATCAACCTGCTGGCATCCCTT[G>A]GTCAGATTCGGTCCCTGCTGAGTGTGAGAATGGGCAAAGAAGAAGAGAAGCTCATGATTC-3'
Protein context (NP_001026.2, residues 2114-2134): EDTINLLASL[Gly2124Ser]QIRSLLSVRM